The following is an entry in ClinVar:

NM_004606.5(TAF1):c.1153-3C>T

Gene: TAF1 (TATA-box binding protein associated factor 1; plus strand). Cytogenetic location: Xq13.1.
Variant type: single nucleotide variant.
Coding change: c.1153-3C>T on transcript NM_004606.5 (MANE Select); 3 bases into the intron before coding-DNA position 1153, C replaced by T.
Molecular consequence: intron variant.
Genome position (GRCh38, 1-based): chrX:71,378,821, C>T. VCF-style: chrX-71378821-C-T. GRCh37 (hg19) VCF-style: chrX-70598671-C-T.
Other names: c.1153-3C>T (NM_001286074.2); c.1090-3C>T (NM_138923.4).
Identifiers: ClinVar variation 2184071 (VCV002184071.4), dbSNP rs2520158015, ClinGen allele CA2580101341.

ClinVar aggregate classification (germline): Uncertain significance (1 of 4 stars; one submission).

Submission:

Labcorp Genetics (formerly Invitae), Labcorp
Classification: Uncertain significance. Last evaluated: 2022-09-26. Review status: criteria provided, single submitter. Criteria: Invitae Variant Classification Sherloc (09022015). Collection method: clinical testing. Allele origin: germline.
Comment: This sequence change falls in intron 7 of the TAF1 gene. It does not directly change the encoded amino acid sequence of the TAF1 protein. It affects a nucleotide within the consensus splice site. This variant is not present in population databases (gnomAD no frequency). This variant has not been reported in the literature in individuals affected with TAF1-related conditions. Variants that disrupt the consensus splice site are a relatively common cause of aberrant splicing (PMID: 17576681, 9536098). Algorithms developed to predict the effect of sequence changes on RNA splicing suggest that this variant is not likely to affect RNA splicing. In summary, the available evidence is currently insufficient to determine the role of this variant in disease. Therefore, it has been classified as a Variant of Uncertain Significance.

Literature cited by the submitters: PubMed 17576681; PubMed 9536098.